The following is an entry in ClinVar:

NM_001006658.3(CR2):c.192A>T (p.Leu64Phe)

Gene: CR2 (complement C3d receptor 2; plus strand). Cytogenetic location: 1q32.2.
Variant type: single nucleotide variant.
Coding change: c.192A>T on transcript NM_001006658.3 (MANE Select); coding-DNA position 192, A replaced by T.
Protein change: p.Leu64Phe; replaces leucine 64 with phenylalanine.
Molecular consequence: missense variant.
Genome position (GRCh38, 1-based): chr1:207,466,659, A>T. VCF-style: chr1-207466659-A-T. GRCh37 (hg19) VCF-style: chr1-207640004-A-T.
Other names: c.192A>T, p.Leu64Phe (NM_001877.5); short protein forms L64F.
Identifiers: ClinVar variation 2042709 (VCV002042709.4), dbSNP rs1249658404, ClinGen allele CA344522925.

ClinVar aggregate classification (germline): Uncertain significance (1 of 4 stars; one submission).

Conditions:
Immunodeficiency, common variable, 7. Identifiers: Orphanet 1572, Orphanet 696894, MedGen C3542922, MONDO:0013862, OMIM 614699.

Allele frequency attached by ClinVar (database versions not stated): gnomAD exomes below 0.00001.
gnomAD v4.1: 1 of 1,614,128 alleles (0.000062%); highest among the groups gnomAD compares: Non-Finnish European, 0.000085%; no homozygotes.

Submission:

Labcorp Genetics (formerly Invitae), Labcorp
Classification: Uncertain significance for Immunodeficiency, common variable, 7. Last evaluated: 2022-03-18. Review status: criteria provided, single submitter. Criteria: Invitae Variant Classification Sherloc (09022015). Collection method: clinical testing. Allele origin: germline.
Comment: This sequence change replaces leucine, which is neutral and non-polar, with phenylalanine, which is neutral and non-polar, at codon 64 of the CR2 protein (p.Leu64Phe). This variant is present in population databases (no rsID available, gnomAD 0.007%). This variant has not been reported in the literature in individuals affected with CR2-related conditions. Algorithms developed to predict the effect of missense changes on protein structure and function output the following: SIFT: "Tolerated"; PolyPhen-2: "Benign"; Align-GVGD: "Class C0". The phenylalanine amino acid residue is found in multiple mammalian species, which suggests that this missense change does not adversely affect protein function. In summary, the available evidence is currently insufficient to determine the role of this variant in disease. Therefore, it has been classified as a Variant of Uncertain Significance.